The following is an entry in ClinVar:

NM_001204.7(BMPR2):c.621+3A>G

Gene: BMPR2 (bone morphogenetic protein receptor type 2; plus strand). Cytogenetic location: 2q33.2.
Variant type: single nucleotide variant.
Coding change: c.621+3A>G on transcript NM_001204.7 (MANE Select); 3 bases into the intron after coding-DNA position 621, A replaced by G.
Molecular consequence: intron variant.
Genome position (GRCh38, 1-based): chr2:202,514,982, A>G. VCF-style: chr2-202514982-A-G. GRCh37 (hg19) VCF-style: chr2-203379705-A-G.
Other names: p.?.
Identifiers: ClinVar variation 4540796 (VCV004540796.1).

ClinVar aggregate classification (germline): Uncertain significance (1 of 4 stars; one submission).

gnomAD v4.1: 4 of 1,613,586 alleles (0.00025%); highest among the groups gnomAD compares: Non-Finnish European, 0.00034%; no homozygotes.

Submission:

Mayo Clinic Laboratories, Mayo Clinic
Classification: Uncertain significance. Last evaluated: 2025-03-17. Review status: criteria provided, single submitter. Criteria: ACMG Guidelines, 2015. Collection method: clinical testing. Allele origin: germline. Observed: 1 variant allele.
Comment: BP4, PM2_supporting